The following is an entry in ClinVar:

ClinVar aggregate classification (germline): Uncertain significance (1 of 4 stars; one submission).

Conditions:
Brachyolmia-amelogenesis imperfecta syndrome. Also called: Tooth agenesis, selective, 6; Dental anomalies and short stature; PLATYSPONDYLY WITH AMELOGENESIS IMPERFECTA. Identifiers: Orphanet 2899, MedGen C1832594, MONDO:0011018, OMIM 601216. Disease mechanism: loss of function.

Submission:

Labcorp Genetics (formerly Invitae), Labcorp
Classification: Uncertain significance for Brachyolmia-amelogenesis imperfecta syndrome. Last evaluated: 2025-08-27. Review status: criteria provided, single submitter. Criteria: Invitae Variant Classification Sherloc (09022015). Collection method: clinical testing. Allele origin: germline.
Comment: This variant, c.85_105dup, results in the insertion of 7 amino acid(s) of the LTBP3 protein (p.Leu29_Leu35dup), but otherwise preserves the integrity of the reading frame. This variant is not present in population databases (gnomAD no frequency). This variant has not been reported in the literature in individuals affected with LTBP3-related conditions. In summary, the available evidence is currently insufficient to determine the role of this variant in disease. Therefore, it has been classified as a Variant of Uncertain Significance.

NM_001130144.3(LTBP3):c.76CTG[17] (p.Leu35_Gly36insLeuLeuLeuLeuLeuLeuLeu)

Gene: LTBP3 (latent transforming growth factor beta binding protein 3; minus strand). Cytogenetic location: 11q13.1.
Variant type: Microsatellite.
Coding change: c.76CTG[17] on transcript NM_001130144.3 (MANE Select); 17 copies in a row of the 3-base unit CTG starting at c.76; the reference has ten copies in a row; seven copies, 21 bases duplicated.
Protein change: p.Leu35_Gly36insLeuLeuLeuLeuLeuLeuLeu.
Molecular consequence: 5 prime UTR variant (on NM_001164266.1).
Genome position (GRCh38, 1-based): chr11:65,557,855-65,557,875, CAGCAGCAGCAGCAGCAGCAG duplicated on the plus strand (CTGCTGCTGCTGCTGCTGCTG on the coding strand, the reverse complement: LTBP3 is on the minus strand); duplicating any 21 consecutive bases within chr11:65,557,855-65,557,885 gives the same sequence; the position shown is the placement nearest the transcript's 3' end. VCF-style (leftmost placement, unchanged base first): chr11-65557854-C-CCAGCAGCAGCAGCAGCAGCAG. GRCh37 (hg19) VCF-style: chr11-65325325-C-CCAGCAGCAGCAGCAGCAGCAG.
Other names: c.-272CTG[17] (NM_001164266.1); c.76CTG[17], p.Leu35_Gly36insLeuLeuLeuLeuLeuLeuLeu (NM_021070.4).
Identifiers: ClinVar variation 4762253 (VCV004762253.1).
Genomic context (GRCh38, chr11:65,557,854, plus strand): 5'-CCCCGCCCCCGCCTGCGCCCCGCTCGCCGGCCGGCCCCCCCTCGACCCTGCCGCCCAGGC[C>CCAGCAGCAGCAGCAGCAGCAG]CAGCAGCAGCAGCAGCAGCAGCAGCAGCAGCGCCAGCAGCCCCGCCGCCCCCGCCCCGCG-3'